The following is an entry in ClinVar:

ClinVar aggregate classification (germline): Pathogenic/Likely pathogenic. Review status: criteria provided, multiple submitters, no conflicts (2 of 4 stars). 3 submissions from 3 submitters: Pathogenic (1); Likely pathogenic (2). Last evaluated 2025-12-19.

Conditions:
Inborn genetic diseases. Identifiers: MedGen C0950123, MeSH D030342.
Dystonia 24 (DYT24). Also called: DYT-ANO3. Identifiers: Orphanet 420485, MedGen C3554374, MONDO:0014019, OMIM 615034.

Submissions (3):

Ambry Genetics
Classification: Likely pathogenic for Inborn genetic diseases. Last evaluated: 2025-12-19. Review status: criteria provided, single submitter. Criteria: Ambry Variant Classification Scheme 2023. Collection method: clinical testing. Allele origin: germline.
Comment: The c.1819A>T (p.I607F) alteration is located in exon 17 (coding exon 17) of the ANO3 gene. This alteration results from a A to T substitution at nucleotide position 1819, causing the isoleucine (I) at amino acid position 607 to be replaced by a phenylalanine (F). This variant was not reported in population-based cohorts in the Genome Aggregation Database (gnomAD). This variant was determined to be de novo in at least one individual with features consistent with ANO3-related dystonia (Laurencin, 2019). This amino acid position is highly conserved in available vertebrate species. This alteration is predicted to be deleterious by in silico analysis. Based on the available evidence, this alteration is classified as likely pathogenic.

3billion
Classification: Pathogenic for Dystonia 24. Last evaluated: 2023-06-12. Review status: criteria provided, single submitter. Criteria: ACMG Guidelines, 2015. Collection method: clinical testing. Allele origin: germline. Affected: yes.
Comment: The variant is not observed in the gnomAD v2.1.1 dataset. Predicted Consequence/Location: Missense changes are a common disease-causing mechanism. In silico tool predictions suggest damaging effect of the variant on gene or gene product (REVEL: 0.81; 3Cnet: 0.95). Same nucleotide change resulting in same amino acid change has been previously reported to be associated with ANO3-related disorder as de novo (ClinVar ID: VCV000521283 /PMID: 30455893). A different missense change at the same codon (p.Ile607Thr) has been reported to be associated with ANO3-related disorder (PMID: 31228765). Therefore, this variant is classified as Pathogenic according to the recommendation of ACMG/AMP guideline.

Institute of Medical Genetics and Applied Genomics, University Hospital Tübingen
Classification: Likely pathogenic. Last evaluated: 2020-10-23. Review status: criteria provided, single submitter. Criteria: ACMG Guidelines, 2015. Collection method: clinical testing. Allele origin: germline. Inheritance: Unknown mechanism. Affected: yes.

Literature cited by the submitters: PubMed 30455893 (cited by Ambry Genetics and 3billion); PubMed 31228765 (cited by Ambry Genetics and 3billion).

NM_031418.4(ANO3):c.1819A>T (p.Ile607Phe)

Gene: ANO3 (anoctamin 3; plus strand). Cytogenetic location: 11p14.2.
Variant type: single nucleotide variant.
Coding change: c.1819A>T on transcript NM_031418.4 (MANE Select); coding-DNA position 1819, A replaced by T.
Protein change: p.Ile607Phe; replaces isoleucine 607 with phenylalanine.
Molecular consequence: missense variant.
Genome position (GRCh38, 1-based): chr11:26,599,697, A>T. VCF-style: chr11-26599697-A-T. GRCh37 (hg19) VCF-style: chr11-26621244-A-T.
Other names: c.2002A>T, p.Ile668Phe (NM_001313726.2); c.1381A>T, p.Ile461Phe (NM_001313727.2); short protein forms I607F, I668F, I461F.
Identifiers: ClinVar variation 521283 (VCV000521283.6), dbSNP rs1554976234, ClinGen allele CA379942015.